The following is an entry in ClinVar:

NM_001127453.2(GSDME):c.447A>G (p.Glu149=)

Gene: GSDME (gasdermin E; minus strand). Cytogenetic location: 7p15.3.
Variant type: single nucleotide variant.
Coding change: c.447A>G on transcript NM_001127453.2 (MANE Select); coding-DNA position 447, A replaced by G.
Protein change: p.Glu149=; no amino-acid change (glutamic acid 149 retained).
Molecular consequence: synonymous variant. On other transcripts: 5 prime UTR variant (1).
Genome position (GRCh38, 1-based): chr7:24,719,176, T>C on the plus strand (A>G on the coding strand, the complement: GSDME is on the minus strand). VCF-style: chr7-24719176-T-C. GRCh37 (hg19) VCF-style: chr7-24758795-T-C.
Other names: p.Glu149=; c.-46A>G (NM_001127454.2); c.447A>G, p.Glu149= (NM_004403.3).
Identifiers: ClinVar variation 44844 (VCV000044844.19), dbSNP rs876305, ClinGen allele CA135164.

ClinVar aggregate classification (germline): Benign. Review status: criteria provided, multiple submitters, no conflicts (2 of 4 stars). 6 submissions from 6 submitters: Benign (6). Last evaluated 2026-02-04.

Conditions:
Autosomal dominant nonsyndromic hearing loss 5. Identifiers: Orphanet 90635, MedGen C1832932, MONDO:0010973, OMIM 600994.

Allele frequency attached by ClinVar (database versions not stated): gnomAD exomes 0.47409 and 0.57022; ESP Exome Variant Server 0.53737; gnomAD 0.56409 and 0.57409; ExAC 0.57116; TOPMed 0.58910; 1000 Genomes Project 30x 0.73407; 1000 Genomes Project 0.73762.
gnomAD v4.1: 781,068 of 1,611,166 alleles (48%); highest among the groups gnomAD compares: East Asian, 99%; 206,645 homozygotes.

Submissions (6):

Labcorp Genetics (formerly Invitae), Labcorp
Classification: Benign. Last evaluated: 2026-02-04. Review status: criteria provided, single submitter. Criteria: Invitae Variant Classification Sherloc (09022015). Collection method: clinical testing. Allele origin: germline.

Genome-Nilou Lab
Classification: Benign for Autosomal dominant nonsyndromic hearing loss 5. Last evaluated: 2021-07-30. Review status: criteria provided, single submitter. Criteria: ACMG Guidelines, 2015. Collection method: clinical testing. Allele origin: germline. Affected: no.

Mayo Clinic Laboratories, Mayo Clinic
Classification: Benign. Last evaluated: 2020-10-02. Review status: criteria provided, single submitter. Criteria: ACMG Guidelines, 2015. Collection method: clinical testing. Allele origin: germline. Observed: 105 variant alleles.

Illumina Laboratory Services, Illumina
Classification: Benign for Autosomal dominant nonsyndromic hearing loss 5. Last evaluated: 2018-01-13. Review status: criteria provided, single submitter. Criteria: ICSL Variant Classification Criteria 13 December 2019. Collection method: clinical testing. Allele origin: germline.
Comment: This variant was observed in the ICSL laboratory as part of a predisposition screen in an ostensibly healthy population. It had not been previously curated by ICSL or reported in the Human Gene Mutation Database (HGMD: prior to June 1st, 2018), and was therefore a candidate for classification through an automated scoring system. Utilizing variant allele frequency, disease prevalence and penetrance estimates, and inheritance mode, an automated score was calculated to assess if this variant is too frequent to cause the disease. Based on the score and internal cut-off values, a variant classified as benign is not then subjected to further curation. The score for this variant resulted in a classification of benign for this disease.

GeneDx
Classification: Benign. Last evaluated: 2017-05-09. Review status: criteria provided, single submitter. Criteria: GeneDx Variant Classification (06012015). Collection method: clinical testing. Allele origin: germline. Affected: yes.
Comment: This variant is considered likely benign or benign based on one or more of the following criteria: it is a conservative change, it occurs at a poorly conserved position in the protein, it is predicted to be benign by multiple in silico algorithms, and/or has population frequency not consistent with disease.

Laboratory for Molecular Medicine, Mass General Brigham Personalized Medicine
Classification: Benign. Last evaluated: 2012-05-07. Review status: criteria provided, single submitter. Criteria: LMM Criteria. Collection method: clinical testing. Allele origin: germline. Observed: 1,253 variant alleles.
Comment: "Glu149Glu in Exon 04 of DFNA5: This variant is not expected to have clinical si gnificance because it does not alter an amino acid residue, is not located withi n the splice consensus sequence, and has been identified in 42.2% (2959/7020) of European American chromosomes from a broad population by the NHLBI Exome Sequen cing Project (dbSNP rs876305)."